The following is an entry in ClinVar:

NM_052947.4(ALPK2):c.2803A>C (p.Ser935Arg)

Gene: ALPK2 (alpha kinase 2; minus strand). Cytogenetic location: 18q21.31.
Variant type: single nucleotide variant.
Coding change: c.2803A>C on transcript NM_052947.4 (MANE Select); coding-DNA position 2803, A replaced by C.
Protein change: p.Ser935Arg; replaces serine 935 with arginine.
Molecular consequence: missense variant.
Genome position (GRCh38, 1-based): chr18:58,537,384, T>G on the plus strand (A>C on the coding strand, the complement: ALPK2 is on the minus strand). VCF-style: chr18-58537384-T-G. GRCh37 (hg19) VCF-style: chr18-56204616-T-G.
Other names: short protein forms S935R.
Identifiers: ClinVar variation 2626511 (VCV002626511.2), dbSNP rs2518877227, ClinGen allele CA402569745.

ClinVar aggregate classification (germline): Uncertain significance (1 of 4 stars; one submission).

Submission:

Ambry Genetics
Classification: Uncertain significance. Last evaluated: 2023-06-21. Review status: criteria provided, single submitter. Criteria: Ambry Variant Classification Scheme 2023. Collection method: clinical testing. Allele origin: germline.
Comment: The p.S935R variant (also known as c.2803A>C), located in coding exon 4 of the ALPK2 gene, results from an A to C substitution at nucleotide position 2803. The serine at codon 935 is replaced by arginine, an amino acid with dissimilar properties. This amino acid position is conserved. In addition, this alteration is predicted to be tolerated by in silico analysis. Since supporting evidence is limited at this time, the clinical significance of this alteration remains unclear.